The following is an entry in ClinVar:

ClinVar aggregate classification (germline): Likely benign. Review status: criteria provided, multiple submitters, no conflicts (2 of 4 stars). 5 submissions from 5 submitters: Likely benign (4). 1 of the submissions does not count toward it. Last evaluated 2026-03-17.

Conditions:
MYO15A-related disorder. Also called: MYO15A-related condition.

Allele frequency attached by ClinVar (database versions not stated): ExAC 0.00010; 1000 Genomes Project 0.00040; 1000 Genomes Project 30x 0.00062; ESP Exome Variant Server 0.00083.
gnomAD v4.1: 275 of 1,502,684 alleles (0.018%); highest among the groups gnomAD compares: African/African-American, 0.33%; 2 homozygotes.

Submissions (5):

Women's Health and Genetics/Laboratory Corporation of America, LabCorp
Classification: Likely benign. Last evaluated: 2026-03-17. Review status: criteria provided, single submitter. Criteria: LabCorp Variant Classification Summary - May 2015. Collection method: clinical testing. Allele origin: germline.

Labcorp Genetics (formerly Invitae), Labcorp
Classification: Likely benign. Last evaluated: 2026-01-28. Review status: criteria provided, single submitter. Criteria: Invitae Variant Classification Sherloc (09022015). Collection method: clinical testing. Allele origin: germline.

Blueprint Genetics
Classification: Likely benign. Last evaluated: 2024-10-18. Review status: criteria provided, single submitter. Criteria: ACMG Guidelines, 2015. Collection method: clinical testing. Allele origin: germline.

GeneDx
Classification: Likely benign. Last evaluated: 2021-03-17. Review status: criteria provided, single submitter. Criteria: GeneDx Variant Classification Process June 2021. Collection method: clinical testing. Allele origin: germline. Affected: yes.

PreventionGenetics, part of Exact Sciences
Classification: Likely benign for MYO15A-related condition. Last evaluated: 2020-03-02. Review status: no assertion criteria provided. Collection method: clinical testing. Allele origin: germline. Not counted in ClinVar's aggregate classification.
Comment: This variant is classified as likely benign based on ACMG/AMP sequence variant interpretation guidelines (Richards et al. 2015 PMID: 25741868, with internal and published modifications).

NM_016239.4(MYO15A):c.2302C>A (p.Arg768=)

Gene: MYO15A (myosin XVA; plus strand). Cytogenetic location: 17p11.2.
Variant type: single nucleotide variant.
Coding change: c.2302C>A on transcript NM_016239.4 (MANE Select); coding-DNA position 2302, C replaced by A.
Protein change: p.Arg768=; no amino-acid change (arginine 768 retained).
Molecular consequence: synonymous variant.
Genome position (GRCh38, 1-based): chr17:18,121,102, C>A. VCF-style: chr17-18121102-C-A. GRCh37 (hg19) VCF-style: chr17-18024416-C-A.
Identifiers: ClinVar variation 1197211 (VCV001197211.14), dbSNP rs373561242, ClinGen allele CA8423243.